The following is an entry in ClinVar:

ClinVar aggregate classification (germline): Uncertain significance. Review status: criteria provided, multiple submitters, no conflicts (2 of 4 stars). 3 submissions from 3 submitters: Uncertain significance (3). Last evaluated 2024-10-24.

Conditions:
Congenital muscular dystrophy due to integrin alpha-7 deficiency. Also called: MYOPATHY, CONGENITAL, DUE TO INTEGRIN ALPHA-7 DEFICIENCY; Congenital muscular dystrophy with integrin alpha-7 deficiency; Muscular dystrophy, congenital, due to ITGA7 deficiency. Identifiers: Orphanet 34520, MedGen C2750786, MONDO:0013177, OMIM 613204.

Allele frequency attached by ClinVar (database versions not stated): ExAC 0.00002; gnomAD exomes 0.00003; gnomAD 0.00008; TOPMed 0.00012; ESP Exome Variant Server 0.00015; 1000 Genomes Project 30x 0.00016; 1000 Genomes Project 0.00020.
gnomAD v4.1: 52 of 1,614,128 alleles (0.0032%); highest among the groups gnomAD compares: African/African-American, 0.051%; no homozygotes.

Submissions (3):

Ambry Genetics
Classification: Uncertain significance. Last evaluated: 2024-10-24. Review status: criteria provided, single submitter. Criteria: Ambry Variant Classification Scheme 2023. Collection method: clinical testing. Allele origin: germline.

Labcorp Genetics (formerly Invitae), Labcorp
Classification: Uncertain significance for Congenital muscular dystrophy due to integrin alpha-7 deficiency. Last evaluated: 2024-08-30. Review status: criteria provided, single submitter. Criteria: Invitae Variant Classification Sherloc (09022015). Collection method: clinical testing. Allele origin: germline.
Comment: This sequence change replaces alanine, which is neutral and non-polar, with threonine, which is neutral and polar, at codon 466 of the ITGA7 protein (p.Ala466Thr). This variant is present in population databases (rs61733964, gnomAD 0.03%). This variant has not been reported in the literature in individuals affected with ITGA7-related conditions. ClinVar contains an entry for this variant (Variation ID: 580306). Invitae Evidence Modeling of protein sequence and biophysical properties (such as structural, functional, and spatial information, amino acid conservation, physicochemical variation, residue mobility, and thermodynamic stability) indicates that this missense variant is not expected to disrupt ITGA7 protein function with a negative predictive value of 80%. In summary, the available evidence is currently insufficient to determine the role of this variant in disease. Therefore, it has been classified as a Variant of Uncertain Significance.

Revvity Omics, Revvity
Classification: Uncertain significance for Congenital muscular dystrophy due to integrin alpha-7 deficiency. Last evaluated: 2023-06-01. Review status: criteria provided, single submitter. Criteria: ACMG Guidelines, 2015. Collection method: clinical testing. Allele origin: germline.

NM_002206.3(ITGA7):c.1396G>A (p.Ala466Thr)

Gene: ITGA7 (integrin subunit alpha 7; minus strand). Cytogenetic location: 12q13.2.
Variant type: single nucleotide variant.
Coding change: c.1396G>A on transcript NM_002206.3 (MANE Select); coding-DNA position 1396, G replaced by A.
Protein change: p.Ala466Thr; replaces alanine 466 with threonine.
Molecular consequence: missense variant.
Genome position (GRCh38, 1-based): chr12:55,697,708, C>T on the plus strand (G>A on the coding strand, the complement: ITGA7 is on the minus strand). VCF-style: chr12-55697708-C-T. GRCh37 (hg19) VCF-style: chr12-56091492-C-T.
Other names: c.52G>A, p.Ala18Thr (NM_001367994.1); c.1396G>A, p.Ala466Thr (NM_001374465.1, NM_001414034.1); c.1408G>A, p.Ala470Thr (NM_001144996.2, NM_001414029.1); c.1117G>A, p.Ala373Thr (NM_001144997.2); c.1069G>A, p.Ala357Thr (NM_001367993.1); c.1528G>A, p.Ala510Thr (NM_001410977.1); c.1321G>A, p.Ala441Thr (NM_001414030.1); c.1309G>A, p.Ala437Thr (NM_001414031.1); and 3 more; short protein forms A373T, A466T, A470T, A18T, A357T, A510T, A441T, A426T.
Identifiers: ClinVar variation 580306 (VCV000580306.11), dbSNP rs61733964, ClinGen allele CA6615978.